The following is an entry in ClinVar:

ClinVar aggregate classification (germline): Pathogenic (1 of 4 stars; one submission).

Conditions:
Hereditary factor XI deficiency disease. Also called: PLASMA THROMBOPLASTIN ANTECEDENT DEFICIENCY; PTA DEFICIENCY; ROSENTHAL SYNDROME; Congenital factor XI deficiency. Identifiers: Orphanet 329, MedGen C0015523, MeSH D005173, MONDO:0012897, OMIM 612416.

Submission:

Myriad Genetics, Inc.
Classification: Pathogenic for Hereditary factor XI deficiency disease. Last evaluated: 2024-05-14. Review status: criteria provided, single submitter. Criteria: Myriad Autosomal Dominant, Autosomal Recessive and X-Linked Classification Criteria (2023). Collection method: clinical testing. Allele origin: unknown.
Comment: NM_000128.3(F11):c.328delT(C110Afs*9) is expected to be pathogenic in the context of factor XI deficiency. This variant is predicted to lead to an abnormal or absent protein product due to the creation of a premature termination codon in F11, a gene where loss-of-function variants are known to be pathogenic. Please note: this variant was assessed in the context of healthy population screening.

NM_000128.4(F11):c.328del (p.Cys110fs)

Gene: F11 (coagulation factor XI; plus strand). Cytogenetic location: 4q35.2.
Variant type: Deletion.
Coding change: c.328del on transcript NM_000128.4 (MANE Select); coding-DNA position 328, one base deleted (T; older notation c.328delT).
Protein change: p.Cys110fs; shifts the reading frame from cysteine 110.
Molecular consequence: frameshift variant.
Genome position (GRCh38, 1-based): chr4:186,274,118, T deleted; the last of 2 consecutive T bases (chr4:186,274,117-186,274,118); deleting either gives the same sequence. VCF-style (leftmost placement, unchanged base first): chr4-186274116-CT-C. GRCh37 (hg19) VCF-style: chr4-187195270-CT-C.
Other names: c.328del, p.Cys110fs (NM_001354804.2, NM_001440590.1, NM_001440593.1 and 5 more transcripts); short protein forms C110fs.
Identifiers: ClinVar variation 5010423 (VCV005010423.1).